The following is an entry in ClinVar:

NM_020821.3(VPS13C):c.10049A>T (p.Lys3350Ile)

Gene: VPS13C (vacuolar protein sorting 13 homolog C; minus strand). Cytogenetic location: 15q22.2.
Variant type: single nucleotide variant.
Coding change: c.10049A>T on transcript NM_020821.3 (MANE Select); coding-DNA position 10049, A replaced by T.
Protein change: p.Lys3350Ile; replaces lysine 3350 with isoleucine.
Molecular consequence: missense variant.
Genome position (GRCh38, 1-based): chr15:61,878,700, T>A on the plus strand (A>T on the coding strand, the complement: VPS13C is on the minus strand). VCF-style: chr15-61878700-T-A. GRCh37 (hg19) VCF-style: chr15-62170899-T-A.
Other names: c.10049A>T, p.Lys3350Ile (NM_001018088.3); c.9920A>T, p.Lys3307Ile (NM_017684.5, NM_018080.4); short protein forms K3307I, K3350I.
Identifiers: ClinVar variation 4535201 (VCV004535201.6).

ClinVar aggregate classification (germline): Uncertain significance (1 of 4 stars; one submission).

gnomAD v4.1: 1 of 1,611,512 alleles (0.000062%); highest among the groups gnomAD compares: Non-Finnish European, 0.000085%; no homozygotes.

Submission:

CeGaT Center for Human Genetics Tuebingen
Classification: Uncertain significance. Last evaluated: 2025-11-01. Review status: criteria provided, single submitter. Criteria: CeGaT Center For Human Genetics Tuebingen Variant Classification Criteria Version 2. Collection method: clinical testing. Allele origin: germline. Affected: yes. Observed: 1 variant allele.
Comment: VPS13C: PM2